The following is an entry in ClinVar:

NM_004855.5(PIGB):c.795-1G>C

Gene: PIGB (phosphatidylinositol glycan anchor biosynthesis class B; plus strand). Cytogenetic location: 15q21.3.
Variant type: single nucleotide variant.
Coding change: c.795-1G>C on transcript NM_004855.5 (MANE Select); the canonical splice acceptor site of the intron before coding-DNA position 795, G replaced by C.
Molecular consequence: splice acceptor variant.
Genome position (GRCh38, 1-based): chr15:55,339,266, G>C. VCF-style: chr15-55339266-G-C. GRCh37 (hg19) VCF-style: chr15-55631464-G-C.
Identifiers: ClinVar variation 1098618 (VCV001098618.4), dbSNP rs1163732372, ClinGen allele CA392542618.

ClinVar aggregate classification (germline): Likely pathogenic. Review status: criteria provided, multiple submitters, no conflicts (2 of 4 stars). 2 submissions from 2 submitters: Likely pathogenic (2). Last evaluated 2023-02-27.

Conditions:
Developmental and epileptic encephalopathy, 80. Also called: EPILEPTIC ENCEPHALOPATHY, EARLY INFANTILE, 80; GLYCOSYLPHOSPHATIDYLINOSITOL BIOSYNTHESIS DEFECT 20. Identifiers: MedGen C5231418, MONDO:0032822, OMIM 618580.

Allele frequency attached by ClinVar (database versions not stated): gnomAD exomes below 0.00001.
gnomAD v4.1: 1 of 1,550,564 alleles (0.000064%); highest among the groups gnomAD compares: Admixed American, 0.002%; no homozygotes.

Submissions (2):

Labcorp Genetics (formerly Invitae), Labcorp
Classification: Likely pathogenic. Last evaluated: 2023-02-27. Review status: criteria provided, single submitter. Criteria: Invitae Variant Classification Sherloc (09022015). Collection method: clinical testing. Allele origin: germline.
Comment: This sequence change affects an acceptor splice site in intron 6 of the PIGB gene. It is expected to disrupt RNA splicing. Variants that disrupt the donor or acceptor splice site typically lead to a loss of protein function (PMID: 16199547), and loss-of-function variants in PIGB are known to be pathogenic (PMID: 31256876, 34400385). The frequency data for this variant in the population databases is considered unreliable, as metrics indicate poor data quality at this position in the gnomAD database. This variant has not been reported in the literature in individuals affected with PIGB-related conditions. ClinVar contains an entry for this variant (Variation ID: 1098618). Algorithms developed to predict the effect of sequence changes on RNA splicing suggest that this variant may disrupt the consensus splice site. In summary, the currently available evidence indicates that the variant is pathogenic, but additional data are needed to prove that conclusively. Therefore, this variant has been classified as Likely Pathogenic.

New York Genome Center
Classification: Likely pathogenic for Developmental and epileptic encephalopathy, 80. Last evaluated: 2020-05-21. Review status: criteria provided, single submitter. Criteria: NYGC Assertion Criteria 2020. Collection method: clinical testing. Allele origin: germline. Observed: 1 heterozygote. Study: CSER-NYCKidSeq.

Literature cited by the submitters: PubMed 16199547 (cited by Labcorp Genetics (formerly Invitae), Labcorp); PubMed 31256876 (cited by Labcorp Genetics (formerly Invitae), Labcorp); PubMed 34400385 (cited by Labcorp Genetics (formerly Invitae), Labcorp).